The following is an entry in ClinVar:

ClinVar aggregate classification (germline): Pathogenic. Review status: criteria provided, multiple submitters, no conflicts (2 of 4 stars). 3 submissions from 3 submitters: Pathogenic (3). Last evaluated 2025-10-27.

Conditions:
Hereditary cancer-predisposing syndrome. Also called: Neoplastic Syndromes, Hereditary; Tumor predisposition; Hereditary Cancer Syndrome; Hereditary neoplastic syndrome. Identifiers: Orphanet 140162, MedGen C0027672, MeSH D009386, MONDO:0015356.
Familial cancer of breast. Also called: BREAST CANCER, FAMILIAL; Hereditary breast cancer; hereditary breast carcinoma. Identifiers: Orphanet 227535, MedGen C0346153, MONDO:0016419, OMIM 114480. Disease mechanism: loss of function.

Submissions (3):

Ambry Genetics
Classification: Pathogenic for Hereditary cancer-predisposing syndrome. Last evaluated: 2025-10-27. Review status: criteria provided, single submitter. Criteria: Ambry Variant Classification Scheme 2023. Collection method: clinical testing. Allele origin: germline.
Comment: The c.1211dupA pathogenic mutation, located in coding exon 4 of the BARD1 gene, results from a duplication of A at nucleotide position 1211, causing a translational frameshift with a predicted alternate stop codon (p.Y404*). This variant is considered to be rare based on population cohorts in the Genome Aggregation Database (gnomAD). This alteration is expected to result in loss of function by premature protein truncation or nonsense-mediated mRNA decay. As such, this alteration is interpreted as a disease-causing mutation.

Labcorp Genetics (formerly Invitae), Labcorp
Classification: Pathogenic for Familial cancer of breast. Last evaluated: 2025-01-17. Review status: criteria provided, single submitter. Criteria: Invitae Variant Classification Sherloc (09022015). Collection method: clinical testing. Allele origin: germline.
Comment: This sequence change creates a premature translational stop signal (p.Tyr404*) in the BARD1 gene. It is expected to result in an absent or disrupted protein product. Loss-of-function variants in BARD1 are known to be pathogenic (PMID: 20077502, 21344236). This variant is not present in population databases (gnomAD no frequency). This premature translational stop signal has been observed in individual(s) with a family history of ovarian cancer (PMID: 26315354). ClinVar contains an entry for this variant (Variation ID: 482839). Algorithms developed to predict the effect of sequence changes on RNA splicing suggest that this variant may disrupt the consensus splice site. For these reasons, this variant has been classified as Pathogenic.

Myriad Genetics, Inc.
Classification: Pathogenic for Familial cancer of breast. Last evaluated: 2024-01-24. Review status: criteria provided, single submitter. Criteria: Myriad Autosomal Dominant, Autosomal Recessive and X-Linked Classification Criteria (2023). Collection method: clinical testing. Allele origin: unknown.
Comment: This variant is considered pathogenic. This variant creates a termination codon and is predicted to result in premature protein truncation.

Literature cited by the submitters: PubMed 20077502 (cited by Labcorp Genetics (formerly Invitae), Labcorp); PubMed 21344236 (cited by Labcorp Genetics (formerly Invitae), Labcorp); PubMed 26315354 (cited by Labcorp Genetics (formerly Invitae), Labcorp).

NM_000465.4(BARD1):c.1211dup (p.Tyr404Ter)

Gene: BARD1 (BRCA1 associated RING domain 1; minus strand). Cytogenetic location: 2q35.
Variant type: Duplication.
Coding change: c.1211dup on transcript NM_000465.4 (MANE Select); coding-DNA position 1211, one base duplicated (A; older notation c.1211dupA).
Protein change: p.Tyr404Ter; replaces tyrosine 404 with a stop codon.
Molecular consequence: nonsense. On other transcripts: non-coding transcript variant (2), intron variant (3).
Genome position (GRCh38, 1-based): chr2:214,780,663, T duplicated on the plus strand (A on the coding strand, the reverse complement: BARD1 is on the minus strand). VCF-style (leftmost placement, unchanged base first): chr2-214780662-G-GT. GRCh37 (hg19) VCF-style: chr2-215645386-G-GT.
Other names: c.1154dup, p.Tyr385Ter (NM_001282543.2); c.159-28108dup (NM_001282548.2); c.215+16398dup (NM_001282545.2); c.364+11634dup (NM_001282549.2); c.1211dupA (NM_000465.2); short protein forms Y385*, Y404*.
Identifiers: ClinVar variation 482839 (VCV000482839.11), dbSNP rs1553622178, ClinGen allele CA658657240.
Genomic context (GRCh38, chr2:214,780,662, plus strand): 5'-TCTTTTCACAGCCATATTGGGCAACAGCTTCATTGCTGAGGGACTAGACATCACTCGCCT[G>GT]TAACTTGAACTACTTAATGTAGAAGGTGGTGTACCTGGTGAAAGACTAATGAATTCATCG-3'